The following is an entry in ClinVar:

ClinVar aggregate classification (germline): Uncertain significance (1 of 4 stars; one submission).

Conditions:
Cardiovascular phenotype. Identifiers: MedGen CN230736.

gnomAD v4.1: 1 of 1,614,044 alleles (0.000062%); highest among the groups gnomAD compares: East Asian, 0.0022%; no homozygotes.

Submission:

Ambry Genetics
Classification: Uncertain significance for Cardiovascular phenotype. Last evaluated: 2024-11-02. Review status: criteria provided, single submitter. Criteria: Ambry Variant Classification Scheme 2023. Collection method: clinical testing. Allele origin: germline.
Comment: The p.M396T variant (also known as c.1187T>C), located in coding exon 9 of the ABCA1 gene, results from a T to C substitution at nucleotide position 1187. The methionine at codon 396 is replaced by threonine, an amino acid with similar properties. This amino acid position is conserved. In addition, the in silico prediction for this alteration is inconclusive. Based on the available evidence, the clinical significance of this variant remains unclear.

NM_005502.4(ABCA1):c.1187T>C (p.Met396Thr)

Gene: ABCA1 (ATP binding cassette subfamily A member 1; minus strand). Cytogenetic location: 9q31.1.
Variant type: single nucleotide variant.
Coding change: c.1187T>C on transcript NM_005502.4 (MANE Select); coding-DNA position 1187, T replaced by C.
Protein change: p.Met396Thr; replaces methionine 396 with threonine.
Molecular consequence: missense variant.
Genome position (GRCh38, 1-based): chr9:104,837,435, A>G on the plus strand (T>C on the coding strand, the complement: ABCA1 is on the minus strand). VCF-style: chr9-104837435-A-G. GRCh37 (hg19) VCF-style: chr9-107599716-A-G.
Other names: short protein forms M396T.
Identifiers: ClinVar variation 3495075 (VCV003495075.1).